The following is an entry in ClinVar:

NM_003476.5(CSRP3):c.537G>A (p.Thr179=)

Gene: CSRP3 (cysteine and glycine rich protein 3; minus strand). Cytogenetic location: 11p15.1.
Variant type: single nucleotide variant.
Coding change: c.537G>A on transcript NM_003476.5 (MANE Select); coding-DNA position 537, G replaced by A.
Protein change: p.Thr179=; no amino-acid change (threonine 179 retained).
Molecular consequence: synonymous variant. On other transcripts: missense variant (1).
Genome position (GRCh38, 1-based): chr11:19,182,718, C>T on the plus strand (G>A on the coding strand, the complement: CSRP3 is on the minus strand). VCF-style: chr11-19182718-C-T. GRCh37 (hg19) VCF-style: chr11-19204265-C-T.
Other names: c.368G>A, p.Arg123Gln (NM_001369404.1); c.537G>A (NM_003476.3); short protein forms R123Q.
Identifiers: ClinVar variation 303951 (VCV000303951.14), dbSNP rs886048096, ClinGen allele CA10630532.

ClinVar aggregate classification (germline): Uncertain significance. Review status: criteria provided, multiple submitters, no conflicts (2 of 4 stars). 3 submissions from 3 submitters: Uncertain significance (3). Last evaluated 2025-11-25.

Conditions:
Hypertrophic cardiomyopathy 12. Identifiers: MedGen C2677491, MONDO:0012804, OMIM 612124.
Dilated cardiomyopathy 1M (CMD1M). Identifiers: Orphanet 154, MedGen C1843808, MONDO:0011840, OMIM 607482.
Cardiovascular phenotype. Identifiers: MedGen CN230736.

Allele frequency attached by ClinVar (database versions not stated): gnomAD 0.00001; gnomAD exomes 0.00001; TOPMed 0.00002.
gnomAD v4.1: 17 of 1,613,982 alleles (0.0011%); highest among the groups gnomAD compares: Admixed American, 0.0033%; no homozygotes.

Submissions (3):

Ambry Genetics
Classification: Uncertain significance for Cardiovascular phenotype. Last evaluated: 2025-11-25. Review status: criteria provided, single submitter. Criteria: Ambry Variant Classification Scheme 2023. Collection method: clinical testing. Allele origin: germline.
Comment: The c.537G>A variant (also known as p.T179T), located in coding exon 5 of the CSRP3 gene, results from a G to A substitution at nucleotide position 537. This nucleotide substitution does not change the amino acid at codon 179. This nucleotide position is poorly conserved in available vertebrate species. In silico splice site analysis predicts that this alteration will result in the creation or strengthening of a novel splice acceptor site. Based on the available evidence, the clinical significance of this variant remains unclear.

Labcorp Genetics (formerly Invitae), Labcorp
Classification: Uncertain significance for Hypertrophic cardiomyopathy 12; Dilated cardiomyopathy 1M. Last evaluated: 2024-10-30. Review status: criteria provided, single submitter. Criteria: Invitae Variant Classification Sherloc (09022015). Collection method: clinical testing. Allele origin: germline.
Comment: This sequence change affects codon 179 of the CSRP3 mRNA. It is a 'silent' change, meaning that it does not change the encoded amino acid sequence of the CSRP3 protein. This variant is present in population databases (no rsID available, gnomAD 0.006%). This variant has not been reported in the literature in individuals affected with CSRP3-related conditions. ClinVar contains an entry for this variant (Variation ID: 303951). Algorithms developed to predict the effect of sequence changes on RNA splicing suggest that this variant may disrupt the consensus splice site. In summary, the available evidence is currently insufficient to determine the role of this variant in disease. Therefore, it has been classified as a Variant of Uncertain Significance.

Illumina Laboratory Services, Illumina
Classification: Uncertain significance for Hypertrophic cardiomyopathy 12. Last evaluated: 2018-01-13. Review status: criteria provided, single submitter. Criteria: ICSL Variant Classification Criteria 13 December 2019. Collection method: clinical testing. Allele origin: germline.